The following is an entry in ClinVar:

ClinVar aggregate classification (germline): Uncertain significance (1 of 4 stars; one submission).

Conditions:
Pontocerebellar hypoplasia type 9. Identifiers: Orphanet 369920, MedGen C4014354, MONDO:0014351, OMIM 615809.

Allele frequency attached by ClinVar (database versions not stated): TOPMed below 0.00001; gnomAD 0.00001.

Submission:

Broad Center for Mendelian Genomics, Broad Institute of MIT and Harvard
Classification: Uncertain significance for Pontocerebellar hypoplasia type 9. Last evaluated: 2022-05-04. Review status: criteria provided, single submitter. Criteria: ACMG Guidelines, 2015. Collection method: curation. Allele origin: germline. Inheritance: Autosomal recessive inheritance.
Comment: The variant has not been previously reported in individuals with pontocerebellar hypoplasia type 9 and was absent from large population studies. Computational prediction tools and conservation analyses suggest that this variant may impact the protein, though this information is not predictive enough to determine pathogenicity. The presence of this variant in 1 affected homozygote increases the likelihood that the p.Trp570Arg variant is pathogenic. In summary, while there is some suspicion for a pathogenic role, the clinical significance of this variant is uncertain. ACMG/AMP Criteria applied: PM2, PP3, PM3_supporting (Richards 2015).

NM_001368809.2(AMPD2):c.1546T>C (p.Trp516Arg)

Genes: AMPD2 (adenosine monophosphate deaminase 2; plus strand), LOC126805822 (BRD4-independent group 4 enhancer GRCh37_chr1:110170748-110171947; plus strand). Cytogenetic location: 1p13.3.
Variant type: single nucleotide variant.
Coding change: c.1546T>C on transcript NM_001368809.2 (MANE Select); coding-DNA position 1546, T replaced by C.
Protein change: p.Trp516Arg; replaces tryptophan 516 with arginine.
Molecular consequence: missense variant.
Genome position (GRCh38, 1-based): chr1:109,628,781, T>C. VCF-style: chr1-109628781-T-C. GRCh37 (hg19) VCF-style: chr1-110171403-T-C.
Other names: NM_004037.9:c.1546T>C; c.1354T>C, p.Trp452Arg (NM_001257361.2); c.1483T>C, p.Trp495Arg (NM_001308170.1); c.1546T>C, p.Trp516Arg (NM_004037.9); c.1465T>C, p.Trp489Arg (NM_139156.4); short protein forms W452R, W489R, W495R, W516R.
Identifiers: ClinVar variation 1679835 (VCV001679835.1), dbSNP rs1650946025, ClinGen allele CA341559231.
Genomic context (GRCh38, chr1:109,628,781, plus strand): 5'-GAGTGGGACAAGCTGGCGCGCTGGGCCGTCATGCACCGCGTGCACTCCCCCAACGTGCGC[T>C]GGCTGGTGCAGGTGCCCCGCCTCTTGTGAGTGTCCCTGGAGTGGGAGGGGAACCTGCGGG-3'
Protein context (NP_001355738.1, residues 506-526): MHRVHSPNVR[Trp516Arg]LVQVPRLFDV